The following is an entry in ClinVar:

ClinVar aggregate classification (germline): Pathogenic (1 of 4 stars; one submission).

Conditions:
Arrhythmogenic right ventricular dysplasia 8 (ARVD8). Also called: Arrhythmogenic Right Ventricular Dysplasia/Cardiomyopathy 8; ARRHYTHMOGENIC RIGHT VENTRICULAR DYSPLASIA, FAMILIAL, 8; ARRHYTHMOGENIC RIGHT VENTRICULAR CARDIOMYOPATHY 8. Identifiers: MedGen C1843896, MONDO:0011831, OMIM 607450.
Arrhythmogenic cardiomyopathy with wooly hair and keratoderma. Also called: Dilated cardiomyopathy with woolly hair and keratoderma; Arrhythmogenic cardiomyopathy with woolly hair and keratoderma; PALMOPLANTAR KERATODERMA WITH LEFT VENTRICULAR CARDIOMYOPATHY AND WOOLLY HAIR; Carvajal syndrome. Identifiers: Orphanet 65282, MedGen C1854063, MONDO:0011581, OMIM 605676.

Submission:

Labcorp Genetics (formerly Invitae), Labcorp
Classification: Pathogenic for Arrhythmogenic cardiomyopathy with wooly hair and keratoderma; Arrhythmogenic right ventricular dysplasia 8. Last evaluated: 2022-02-25. Review status: criteria provided, single submitter. Criteria: Invitae Variant Classification Sherloc (09022015). Collection method: clinical testing. Allele origin: germline.
Comment: For these reasons, this variant has been classified as Pathogenic. This variant is not present in population databases (gnomAD no frequency). This variant has not been reported in the literature in individuals affected with DSP-related conditions. This sequence change creates a premature translational stop signal (p.Arg129Alafs*8) in the DSP gene. It is expected to result in an absent or disrupted protein product. Loss-of-function variants in DSP are known to be pathogenic (PMID: 20716751, 24503780, 25227139).

Literature cited by the submitters: PubMed 20716751; PubMed 24503780; PubMed 25227139.

NM_004415.4(DSP):c.384dup (p.Arg129fs)

Gene: DSP (desmoplakin; plus strand). Cytogenetic location: 6p24.3.
Variant type: Duplication.
Coding change: c.384dup on transcript NM_004415.4 (MANE Select); coding-DNA position 384, one base duplicated (G; older notation c.384dupG).
Protein change: p.Arg129fs; shifts the reading frame from arginine 129.
Molecular consequence: frameshift variant.
Genome position (GRCh38, 1-based): chr6:7,558,226, G duplicated. VCF-style (leftmost placement, unchanged base first): chr6-7558225-T-TG. GRCh37 (hg19) VCF-style: chr6-7558458-T-TG.
Other names: c.384dup, p.Arg129fs (NM_001008844.3, NM_001319034.2); c.384dup, p.Arg129Alafs (NM_001406591.1); short protein forms R129fs.
Identifiers: ClinVar variation 2103203 (VCV002103203.4), dbSNP rs2533849573, ClinGen allele CA2580075354.
Genomic context (GRCh38, chr6:7,558,225, plus strand): 5'-ATGAGTGTTTTGCCCAGGCCAATGACCAAATGGAAATCCTCGACAGCTTGATCAGAGAGA[T>TG]GCGGCAGATGGGCCAGCCCTGTGATGCTTACCAGAAAAGGTATTGTCCACAGAGCATGGA-3'